The following is an entry in ClinVar:

ClinVar aggregate classification (germline): Uncertain significance (1 of 4 stars; one submission).

Conditions:
Primary ciliary dyskinesia. Also called: Ciliary dyskinesia. Identifiers: Orphanet 244, MedGen C0008780, MONDO:0016575, HP:0012265.

Allele frequency attached by ClinVar (database versions not stated): gnomAD exomes below 0.00001; TOPMed 0.00002.
gnomAD v4.1: 3 of 1,208,271 alleles (0.00025%); highest among the groups gnomAD compares: African/African-American, 0.0018%; no homozygotes.

Submission:

Labcorp Genetics (formerly Invitae), Labcorp
Classification: Uncertain significance for Primary ciliary dyskinesia. Last evaluated: 2023-01-06. Review status: criteria provided, single submitter. Criteria: Invitae Variant Classification Sherloc (09022015). Collection method: clinical testing. Allele origin: germline.
Comment: In summary, the available evidence is currently insufficient to determine the role of this variant in disease. Therefore, it has been classified as a Variant of Uncertain Significance. Advanced modeling of protein sequence and biophysical properties (such as structural, functional, and spatial information, amino acid conservation, physicochemical variation, residue mobility, and thermodynamic stability) performed at Invitae indicates that this missense variant is not expected to disrupt RPGR (ORF15) protein function. This missense change has been observed in individual(s) with retinitis pigmentosa (Invitae). This variant is present in population databases (no rsID available, gnomAD 0.008%). This sequence change replaces asparagine, which is neutral and polar, with aspartic acid, which is acidic and polar, at codon 1058 of the RPGR (ORF15) protein (p.Asn1058Asp).

NM_001034853.2(RPGR):c.3172A>G (p.Asn1058Asp)

Gene: RPGR (retinitis pigmentosa GTPase regulator; minus strand). Cytogenetic location: Xp11.4.
Variant type: single nucleotide variant.
Coding change: c.3172A>G on transcript NM_001034853.2 (MANE Select); coding-DNA position 3172, A replaced by G.
Protein change: p.Asn1058Asp; replaces asparagine 1058 with aspartic acid.
Molecular consequence: missense variant. On other transcripts: intron variant (8).
Genome position (GRCh38, 1-based): chrX:38,285,827, T>C on the plus strand (A>G on the coding strand, the complement: RPGR is on the minus strand). VCF-style: chrX-38285827-T-C. GRCh37 (hg19) VCF-style: chrX-38145080-T-C.
Other names: c.1569+5132A>G (NM_001367249.1, NM_001367250.1); c.1902+1267A>G (NM_001367245.1); c.1386+5132A>G (NM_001367251.1); c.1719+1267A>G (NM_001367246.1); c.1572+5132A>G (NM_001367247.1); c.1905+1267A>G (NM_000328.3); c.1602+5132A>G (NM_001367248.1); short protein forms N1058D.
Identifiers: ClinVar variation 1991723 (VCV001991723.4), dbSNP rs892594567, ClinGen allele CA327914685.